The following is an entry in ClinVar:

ClinVar aggregate classification (germline): Pathogenic (1 of 4 stars; one submission).

Conditions:
Developmental and epileptic encephalopathy, 28 (DEE28). Also called: Epileptic encephalopathy, early infantile, 28. Identifiers: Orphanet 442835, MedGen C4015519, MONDO:0014533, OMIM 616211.

Submission:

Kids Research, The Children's Hospital at Westmead
Classification: Pathogenic for Developmental and epileptic encephalopathy, 28. Last evaluated: 2024-09-20. Review status: criteria provided, single submitter. Criteria: ACMG Guidelines, 2015. Collection method: research. Allele origin: germline. Affected: yes.
Comment: PVS1, PM2, PM3_Supporting

NM_016373.4(WWOX):c.170del (p.Gly57fs)

Gene: WWOX (WW domain containing oxidoreductase; plus strand). Cytogenetic location: 16q23.1.
Variant type: Deletion.
Coding change: c.170del on transcript NM_016373.4 (MANE Select); coding-DNA position 170, one base deleted (G; older notation c.170delG).
Protein change: p.Gly57fs; shifts the reading frame from glycine 57.
Molecular consequence: frameshift variant. On other transcripts: non-coding transcript variant (1), intron variant (1).
Genome position (GRCh38, 1-based): chr16:78,108,485, G deleted; the last of 2 consecutive G bases (chr16:78,108,484-78,108,485); deleting either gives the same sequence. VCF-style (leftmost placement, unchanged base first): chr16-78108483-AG-A. GRCh37 (hg19) VCF-style: chr16-78142380-AG-A.
Other names: c.170del, p.Gly57fs (NM_130791.5); c.-167-1293del (NM_001291997.2); short protein forms G57fs.
Identifiers: ClinVar variation 3366922 (VCV003366922.1).